The following is an entry in ClinVar:

ClinVar aggregate classification (germline): Uncertain significance (1 of 4 stars; one submission).

Allele frequency attached by ClinVar (database versions not stated): TOPMed 0.00003; gnomAD 0.00004; ExAC 0.00007.
gnomAD v4.1: 125 of 1,613,992 alleles (0.0077%); highest among the groups gnomAD compares: Middle Eastern, 0.033%; no homozygotes.

Submissions (2):

Labcorp Genetics (formerly Invitae), Labcorp
Classification: Uncertain significance. Last evaluated: 2022-02-14. Review status: criteria provided, single submitter. Criteria: Invitae Variant Classification Sherloc (09022015). Collection method: clinical testing. Allele origin: germline.
Comment: This sequence change affects a donor splice site in intron 4 of the SHPK gene. It is expected to disrupt RNA splicing. Variants that disrupt the donor or acceptor splice site typically lead to a loss of protein function (PMID: 16199547), however the current clinical and genetic evidence is not sufficient to establish whether loss-of-function variants in SHPK cause disease. This variant is present in population databases (rs760175748, gnomAD 0.01%). This variant has not been reported in the literature in individuals affected with SHPK-related conditions. Algorithms developed to predict the effect of sequence changes on RNA splicing suggest that this variant may disrupt the consensus splice site. In summary, the available evidence is currently insufficient to determine the role of this variant in disease. Therefore, it has been classified as a Variant of Uncertain Significance.

Dr. Peter K. Rogan Lab, Western University
No classification provided (evidence only). Condition: Thyroid cancer, nonmedullary, 1. Review status: no classification provided. Collection method: in vitro. Allele origin: not applicable. Functional consequence: skipped exon. Not counted in ClinVar's aggregate classification.

Literature cited by the submitters: PubMed 16199547 (cited by Labcorp Genetics (formerly Invitae), Labcorp).

NM_013276.4(SHPK):c.647+1G>A

Gene: SHPK (sedoheptulokinase; minus strand). Cytogenetic location: 17p13.2.
Variant type: single nucleotide variant.
Coding change: c.647+1G>A on transcript NM_013276.4 (MANE Select); the canonical splice donor site of the intron after coding-DNA position 647, G replaced by A.
Molecular consequence: splice donor variant.
Genome position (GRCh38, 1-based): chr17:3,623,338, C>T on the plus strand (G>A on the coding strand, the complement: SHPK is on the minus strand). VCF-style: chr17-3623338-C-T. GRCh37 (hg19) VCF-style: chr17-3526632-C-T.
Identifiers: ClinVar variation 2085571 (VCV002085571.5), dbSNP rs760175748, ClinGen allele CA8291267.